The following is an entry in ClinVar:

NM_001378454.1(ALMS1):c.2770G>C (p.Asp924His)

Gene: ALMS1 (ALMS1 centrosome and basal body associated protein; plus strand). Cytogenetic location: 2p13.1.
Variant type: single nucleotide variant.
Coding change: c.2770G>C on transcript NM_001378454.1 (MANE Select); coding-DNA position 2770, G replaced by C.
Protein change: p.Asp924His; replaces aspartic acid 924 with histidine.
Molecular consequence: missense variant.
Genome position (GRCh38, 1-based): chr2:73,449,297, G>C. VCF-style: chr2-73449297-G-C. GRCh37 (hg19) VCF-style: chr2-73676424-G-C.
Other names: c.2773G>C, p.Asp925His (NM_015120.4); short protein forms D925H, D924H.
Identifiers: ClinVar variation 2044755 (VCV002044755.4), dbSNP rs2466095900, ClinGen allele CA347271937.

ClinVar aggregate classification (germline): Uncertain significance (1 of 4 stars; one submission).

Conditions:
Alstrom syndrome (ALMS). Identifiers: Orphanet 64, MedGen C0268425, MONDO:0008763, OMIM 203800.

Submission:

Labcorp Genetics (formerly Invitae), Labcorp
Classification: Uncertain significance for Alstrom syndrome. Last evaluated: 2023-07-17. Review status: criteria provided, single submitter. Criteria: Invitae Variant Classification Sherloc (09022015). Collection method: clinical testing. Allele origin: germline.
Comment: In summary, the available evidence is currently insufficient to determine the role of this variant in disease. Therefore, it has been classified as a Variant of Uncertain Significance. Experimental studies and prediction algorithms are not available or were not evaluated, and the functional significance of this variant is currently unknown. ClinVar contains an entry for this variant (Variation ID: 2044755). This variant has not been reported in the literature in individuals affected with ALMS1-related conditions. This variant is not present in population databases (gnomAD no frequency). This sequence change replaces aspartic acid, which is acidic and polar, with histidine, which is basic and polar, at codon 925 of the ALMS1 protein (p.Asp925His).